The following is an entry in ClinVar:

ClinVar aggregate classification (germline): Likely benign (1 of 4 stars; one submission).

Submission:

CeGaT Center for Human Genetics Tuebingen
Classification: Likely benign. Last evaluated: 2022-10-01. Review status: criteria provided, single submitter. Criteria: CeGaT Center For Human Genetics Tuebingen Variant Classification Criteria Version 2. Collection method: clinical testing. Allele origin: germline. Affected: yes. Observed: 1 variant allele.
Comment: AC187652.1: BP4, BP7

NC_000007.14:g.264059C>T

Variant type: single nucleotide variant.
Genome position: GRCh38 VCF-style: chr7-264059-C-T. GRCh37 (hg19) VCF-style: chr7-304025-C-T.
Identifiers: ClinVar variation 2657168 (VCV002657168.23), dbSNP rs573190995, ClinGen allele CA4109290.